The following is an entry in ClinVar:

NM_000103.4(CYP19A1):c.1165A>T (p.Lys389Ter)

Genes: PIRC66 (piwi-interacting RNA cluster 66; plus strand), MIR4713HG (MIR4713 host gene; plus strand), CYP19A1 (cytochrome P450 family 19 subfamily A member 1; minus strand). Cytogenetic location: 15q21.2.
Variant type: single nucleotide variant.
Coding change: c.1165A>T on transcript NM_000103.4 (MANE Select); coding-DNA position 1165, A replaced by T.
Protein change: p.Lys389Ter; replaces lysine 389 with a stop codon.
Molecular consequence: nonsense.
Genome position (GRCh38, 1-based): chr15:51,212,418, T>A on the plus strand (A>T on the coding strand, the complement: CYP19A1 is on the minus strand). VCF-style: chr15-51212418-T-A. GRCh37 (hg19) VCF-style: chr15-51504615-T-A.
Other names: c.1165A>T, p.Lys389Ter (NM_001347248.1, NM_001347249.2, NM_001347250.2 and 7 more transcripts); short protein forms K389*.
Identifiers: ClinVar variation 639516 (VCV000639516.6), dbSNP rs1595665808, ClinGen allele CA392424741.
Genomic context (GRCh38, chr15:51,212,418, plus strand): 5'-TGGGGAAAAACTCGAGTCTGTGCATCCTTCCAATATTCAGGATAATGTTTGTCCCCTTTT[T>A]CACTGGGTAGCCATCGATTACATCATCTTCTAAGGCTTTGCGCATGACCAAGTCCACGAC-3'

ClinVar aggregate classification (germline): Pathogenic (1 of 4 stars; one submission).

gnomAD v4.1: 1 of 1,607,186 alleles (0.000062%); highest among the groups gnomAD compares: Non-Finnish European, 0.000085%; no homozygotes.

Submission:

Labcorp Genetics (formerly Invitae), Labcorp
Classification: Pathogenic. Last evaluated: 2021-09-29. Review status: criteria provided, single submitter. Criteria: Invitae Variant Classification Sherloc (09022015). Collection method: clinical testing. Allele origin: germline.
Comment: This sequence change creates a premature translational stop signal (p.Lys389*) in the CYP19A1 gene. It is expected to result in an absent or disrupted protein product. This variant is not present in population databases (ExAC no frequency). This variant has not been reported in the literature in individuals with CYP19A1-related disease. Loss-of-function variants in CYP19A1 are known to be pathogenic (PMID: 14602738, 27086564, 27256151). For these reasons, this variant has been classified as Pathogenic.

Literature cited by the submitters: PubMed 14602738; PubMed 27086564; PubMed 27256151.